The following is an entry in ClinVar:

NM_001122681.2(SH3BP2):c.199G>A (p.Ala67Thr)

Gene: SH3BP2 (SH3 domain binding protein 2; plus strand). Cytogenetic location: 4p16.3.
Variant type: single nucleotide variant.
Coding change: c.199G>A on transcript NM_001122681.2 (MANE Select); coding-DNA position 199, G replaced by A.
Protein change: p.Ala67Thr; replaces alanine 67 with threonine.
Molecular consequence: missense variant.
Genome position (GRCh38, 1-based): chr4:2,822,997, G>A. VCF-style: chr4-2822997-G-A. GRCh37 (hg19) VCF-style: chr4-2824724-G-A.
Other names: c.283G>A, p.Ala95Thr (NM_001145855.2); c.370G>A, p.Ala124Thr (NM_001145856.2); c.199G>A, p.Ala67Thr (NM_003023.4); short protein forms A124T, A67T, A95T.
Identifiers: ClinVar variation 1491477 (VCV001491477.6), dbSNP rs2108728412, ClinGen allele CA356053571.

ClinVar aggregate classification (germline): Uncertain significance (1 of 4 stars; one submission).

Conditions:
Fibrous dysplasia of jaw (CRBM). Also called: Cherubism. Identifiers: Orphanet 184, MedGen C0008029, MONDO:0007315, OMIM 118400.

Allele frequency attached by ClinVar (database versions not stated): gnomAD exomes below 0.00001.
gnomAD v4.1: 1 of 1,614,100 alleles (0.000062%); highest among the groups gnomAD compares: South Asian, 0.0011%; no homozygotes.

Submission:

Labcorp Genetics (formerly Invitae), Labcorp
Classification: Uncertain significance for Fibrous dysplasia of jaw. Last evaluated: 2024-06-21. Review status: criteria provided, single submitter. Criteria: Invitae Variant Classification Sherloc (09022015). Collection method: clinical testing. Allele origin: germline.
Comment: This sequence change replaces alanine, which is neutral and non-polar, with threonine, which is neutral and polar, at codon 67 of the SH3BP2 protein (p.Ala67Thr). This variant is not present in population databases (gnomAD no frequency). This variant has not been reported in the literature in individuals affected with SH3BP2-related conditions. ClinVar contains an entry for this variant (Variation ID: 1491477). Advanced modeling of protein sequence and biophysical properties (such as structural, functional, and spatial information, amino acid conservation, physicochemical variation, residue mobility, and thermodynamic stability) performed at Invitae indicates that this missense variant is not expected to disrupt SH3BP2 protein function with a negative predictive value of 95%. In summary, the available evidence is currently insufficient to determine the role of this variant in disease. Therefore, it has been classified as a Variant of Uncertain Significance.